The following is an entry in ClinVar:

ClinVar aggregate classification (germline): Uncertain significance (1 of 4 stars; one submission).

Conditions:
Woodhouse-Sakati syndrome. Also called: EXTRAPYRAMIDAL DISORDER, PROGRESSIVE, WITH PRIMARY HYPOGONADISM, MENTAL RETARDATION, AND ALOPECIA; Hypogonadism, Alopecia, Diabetes Mellitus, Mental Retardation, and Extrapyramidal Syndrome; Hypogonadism, diabetes mellitus, alopecia, mental retardation and electrocardiographic abnormalities. Identifiers: Orphanet 3464, MedGen C0342286, MONDO:0009419, OMIM 241080.

Allele frequency attached by ClinVar (database versions not stated): gnomAD exomes below 0.00001.

Submission:

Labcorp Genetics (formerly Invitae), Labcorp
Classification: Uncertain significance for Woodhouse-Sakati syndrome. Last evaluated: 2025-06-04. Review status: criteria provided, single submitter. Criteria: Invitae Variant Classification Sherloc (09022015). Collection method: clinical testing. Allele origin: germline.
Comment: This sequence change replaces glycine, which is neutral and non-polar, with glutamic acid, which is acidic and polar, at codon 202 of the DCAF17 protein (p.Gly202Glu). This variant is not present in population databases (gnomAD no frequency). This variant has not been reported in the literature in individuals affected with DCAF17-related conditions. ClinVar contains an entry for this variant (Variation ID: 834221). Invitae Evidence Modeling of protein sequence and biophysical properties (such as structural, functional, and spatial information, amino acid conservation, physicochemical variation, residue mobility, and thermodynamic stability) indicates that this missense variant is expected to disrupt DCAF17 protein function with a positive predictive value of 80%. In summary, the available evidence is currently insufficient to determine the role of this variant in disease. Therefore, it has been classified as a Variant of Uncertain Significance.

NM_025000.4(DCAF17):c.605G>A (p.Gly202Glu)

Gene: DCAF17 (DDB1 and CUL4 associated factor 17; plus strand). Cytogenetic location: 2q31.1.
Variant type: single nucleotide variant.
Coding change: c.605G>A on transcript NM_025000.4 (MANE Select); coding-DNA position 605, G replaced by A.
Protein change: p.Gly202Glu; replaces glycine 202 with glutamic acid.
Molecular consequence: missense variant. On other transcripts: non-coding transcript variant (1).
Genome position (GRCh38, 1-based): chr2:171,453,191, G>A. VCF-style: chr2-171453191-G-A. GRCh37 (hg19) VCF-style: chr2-172309701-G-A.
Other names: c.605G>A, p.Gly202Glu (NM_001164821.2); short protein forms G202E.
Identifiers: ClinVar variation 834221 (VCV000834221.10), dbSNP rs1695054550, ClinGen allele CA349277178.